The following is an entry in ClinVar:

ClinVar aggregate classification (germline): Conflicting classifications of pathogenicity. Review status: criteria provided, conflicting classifications (1 of 4 stars). 5 submissions from 5 submitters: Uncertain significance (4); Likely benign (1). Last evaluated 2026-06-01.

Conditions:
Hereditary cancer-predisposing syndrome. Also called: Neoplastic Syndromes, Hereditary; Hereditary Cancer Syndrome; Hereditary neoplastic syndrome; Tumor predisposition. Identifiers: Orphanet 140162, MedGen C0027672, MeSH D009386, MONDO:0015356.
Gastrointestinal stromal tumor. Also called: Gastrointestinal stroma tumor; Gastrointestinal stromal tumor, somatic. Identifiers: Orphanet 44890, MedGen C0238198, MeSH D046152, MONDO:0011719, OMIM 606764, HP:0100723.

Allele frequency attached by ClinVar (database versions not stated): gnomAD exomes 0.00001 and 0.00003; ExAC 0.00002; TOPMed 0.00002; gnomAD 0.00003; ESP Exome Variant Server 0.00008.
gnomAD v4.1: 54 of 1,613,970 alleles (0.0033%); highest among the groups gnomAD compares: Non-Finnish European, 0.0043%; no homozygotes.

Submissions (5):

Myriad Genetics, Inc.
Classification: Likely benign for Gastrointestinal stromal tumor. Last evaluated: 2026-06-01. Review status: criteria provided, single submitter. Criteria: Myriad Autosomal Dominant, Autosomal Recessive and X-Linked Classification Criteria (2023). Collection method: clinical testing. Allele origin: unknown.
Comment: This variant is considered likely benign. This variant has been observed at a population frequency that is significantly greater than expected given the associated disease prevalence and penetrance.

Labcorp Genetics (formerly Invitae), Labcorp
Classification: Uncertain significance for Gastrointestinal stromal tumor. Last evaluated: 2025-12-06. Review status: criteria provided, single submitter. Criteria: Invitae Variant Classification Sherloc (09022015). Collection method: clinical testing. Allele origin: germline.
Comment: This sequence change replaces aspartic acid, which is acidic and polar, with asparagine, which is neutral and polar, at codon 876 of the KIT protein (p.Asp876Asn). This variant is present in population databases (rs372795544, gnomAD 0.003%). This variant has not been reported in the literature in individuals affected with KIT-related conditions. ClinVar contains an entry for this variant (Variation ID: 409755). An algorithm developed to predict the effect of missense changes on protein structure and function (PolyPhen-2) suggests that this variant is likely to be disruptive. In summary, the available evidence is currently insufficient to determine the role of this variant in disease. Therefore, it has been classified as a Variant of Uncertain Significance.

GeneDx
Classification: Uncertain significance. Last evaluated: 2024-04-01. Review status: criteria provided, single submitter. Criteria: GeneDx Variant Classification Process June 2021. Collection method: clinical testing. Allele origin: germline. Affected: yes.
Comment: Not observed at significant frequency in large population cohorts (gnomAD); In silico analysis supports that this missense variant does not alter protein structure/function; Has not been previously published as pathogenic or benign to our knowledge

Baylor Genetics
Classification: Uncertain significance for Gastrointestinal stromal tumor. Last evaluated: 2024-03-04. Review status: criteria provided, single submitter. Criteria: ACMG Guidelines, 2015. Collection method: clinical testing. Allele origin: unknown.

Ambry Genetics
Classification: Uncertain significance for Hereditary cancer-predisposing syndrome. Last evaluated: 2023-12-14. Review status: criteria provided, single submitter. Criteria: Ambry Variant Classification Scheme 2023. Collection method: clinical testing. Allele origin: germline.
Comment: The p.D876N variant (also known as c.2626G>A), located in coding exon 19 of the KIT gene, results from a G to A substitution at nucleotide position 2626. The aspartic acid at codon 876 is replaced by asparagine, an amino acid with highly similar properties. This amino acid position is highly conserved in available vertebrate species. In addition, this alteration is predicted to be tolerated by in silico analysis. Since supporting evidence is limited at this time, the clinical significance of this alteration remains unclear.

NM_000222.3(KIT):c.2626G>A (p.Asp876Asn)

Gene: KIT (KIT proto-oncogene, receptor tyrosine kinase; plus strand). Cytogenetic location: 4q12.
Variant type: single nucleotide variant.
Coding change: c.2626G>A on transcript NM_000222.3 (MANE Select); coding-DNA position 2626, G replaced by A.
Protein change: p.Asp876Asn; replaces aspartic acid 876 with asparagine.
Molecular consequence: missense variant.
Genome position (GRCh38, 1-based): chr4:54,736,750, G>A. VCF-style: chr4-54736750-G-A. GRCh37 (hg19) VCF-style: chr4-55602916-G-A.
Other names: c.2614G>A, p.Asp872Asn (NM_001093772.2, NM_001385292.1); c.2629G>A, p.Asp877Asn (NM_001385284.1); c.2623G>A, p.Asp875Asn (NM_001385285.1); c.2611G>A, p.Asp871Asn (NM_001385286.1); c.2617G>A, p.Asp873Asn (NM_001385288.1); c.2626G>A, p.Asp876Asn (NM_001385290.1); short protein forms D876N, D872N, D871N, D873N, D875N, D877N.
Identifiers: ClinVar variation 409755 (VCV000409755.14), dbSNP rs372795544, ClinGen allele CA2923816.
Genomic context (GRCh38, chr4:54,736,750, plus strand): 5'-GATTAACACTGCTTTGCAAACTGTGTCTCAGGAAGCAGCCCCTATCCTGGAATGCCGGTC[G>A]ATTCTAAGTTCTACAAGATGATCAAGGAAGGCTTCCGGATGCTCAGCCCTGAACACGCAC-3'
Protein context (NP_000213.1, residues 866-886): GSSPYPGMPV[Asp876Asn]SKFYKMIKEG